The following is an entry in ClinVar:

ClinVar aggregate classification (germline): Uncertain significance (1 of 4 stars; one submission).

Allele frequency attached by ClinVar (database versions not stated): gnomAD 0.00002; TOPMed 0.00032.
gnomAD v4.1: 48 of 1,209,570 alleles (0.004%); highest among the groups gnomAD compares: Non-Finnish European, 0.0019%; no homozygotes.

Submission:

Labcorp Genetics (formerly Invitae), Labcorp
Classification: Uncertain significance. Last evaluated: 2024-06-19. Review status: criteria provided, single submitter. Criteria: Invitae Variant Classification Sherloc (09022015). Collection method: clinical testing. Allele origin: germline.
Comment: This sequence change replaces arginine, which is basic and polar, with glutamine, which is neutral and polar, at codon 945 of the DRP2 protein (p.Arg945Gln). The frequency data for this variant in the population databases is considered unreliable, as metrics indicate poor data quality at this position in the gnomAD database. This variant has not been reported in the literature in individuals affected with DRP2-related conditions. ClinVar contains an entry for this variant (Variation ID: 2075497). Algorithms developed to predict the effect of missense changes on protein structure and function output the following: SIFT: "Not Available"; PolyPhen-2: "Benign"; Align-GVGD: "Not Available". The glutamine amino acid residue is found in multiple mammalian species, which suggests that this missense change does not adversely affect protein function. In summary, the available evidence is currently insufficient to determine the role of this variant in disease. Therefore, it has been classified as a Variant of Uncertain Significance.

NM_001939.3(DRP2):c.2834G>A (p.Arg945Gln)

Gene: DRP2 (dystrophin related protein 2; plus strand). Cytogenetic location: Xq22.1.
Variant type: single nucleotide variant.
Coding change: c.2834G>A on transcript NM_001939.3 (MANE Select); coding-DNA position 2834, G replaced by A.
Protein change: p.Arg945Gln; replaces arginine 945 with glutamine.
Molecular consequence: missense variant.
Genome position (GRCh38, 1-based): chrX:101,260,581, G>A. VCF-style: chrX-101260581-G-A. GRCh37 (hg19) VCF-style: chrX-100515570-G-A.
Other names: c.2600G>A, p.Arg867Gln (NM_001171184.2); short protein forms R867Q, R945Q.
Identifiers: ClinVar variation 2075497 (VCV002075497.4), dbSNP rs746910173, ClinGen allele CA333099856.